The following is an entry in ClinVar:

NM_001035.3(RYR2):c.9645G>A (p.Met3215Ile)

Gene: RYR2 (ryanodine receptor 2; plus strand). Cytogenetic location: 1q43.
Variant type: single nucleotide variant.
Coding change: c.9645G>A on transcript NM_001035.3 (MANE Select); coding-DNA position 9645, G replaced by A.
Protein change: p.Met3215Ile; replaces methionine 3215 with isoleucine.
Molecular consequence: missense variant.
Genome position (GRCh38, 1-based): chr1:237,707,013, G>A. VCF-style: chr1-237707013-G-A. GRCh37 (hg19) VCF-style: chr1-237870313-G-A.
Other names: c.9645G>A (NM_001035.2); short protein forms M3215I.
Identifiers: ClinVar variation 927128 (VCV000927128.14), dbSNP rs1688437148, ClinGen allele CA076948.
Genomic context (GRCh38, chr1:237,707,013, plus strand): 5'-CAGTTTGCCAACTAATGTGGAAGATGTTTGTCCAAACATACCGTCTTTGGAGAAACTCAT[G>A]GAAGAAATCGTGGAATTAGCCGAGTCCGGCATTCGCTACACTCAAATGCCACATGTCATG-3'
Protein context (NP_001026.2, residues 3205-3225): CPNIPSLEKL[Met3215Ile]EEIVELAESG

ClinVar aggregate classification (germline): Uncertain significance. Review status: criteria provided, multiple submitters, no conflicts (2 of 4 stars). 3 submissions from 3 submitters: Uncertain significance (3). Last evaluated 2026-03-21.

Conditions:
Catecholaminergic polymorphic ventricular tachycardia 1. Also called: RYR2-Related Catecholaminergic Polymorphic Ventricular Tachycardia; VENTRICULAR TACHYCARDIA, STRESS-INDUCED POLYMORPHIC 1; VENTRICULAR TACHYCARDIA, CATECHOLAMINERGIC POLYMORPHIC, 1, WITH OR WITHOUT ATRIAL DYSFUNCTION AND/OR DILATED CARDIOMYOPATHY. Identifiers: Orphanet 3286, MedGen C1631597, MONDO:0011484, OMIM 604772.
Cardiomyopathy (CMYO). Also called: Cardiomyopathies. Identifiers: Orphanet 167848, MedGen C0878544, MONDO:0004994, HP:0001638. Inheritance: Various modes of inheritance.

Submissions (3):

GeneDx
Classification: Uncertain significance. Last evaluated: 2026-03-21. Review status: criteria provided, single submitter. Criteria: GeneDx Variant Classification Process June 2021. Collection method: clinical testing. Allele origin: germline.
Comment: Not observed at significant frequency in large population cohorts (gnomAD); In silico analysis supports that this missense variant has a deleterious effect on protein structure/function; Has not been previously published as pathogenic or benign to our knowledge; Not located in one of the three hot-spot regions of the RYR2 gene, where the majority of pathogenic missense variants occur (PMID: 19926015); This variant is associated with the following publications: (PMID: 19926015)

Color Diagnostics, LLC DBA Color Health
Classification: Uncertain significance for Cardiomyopathy. Last evaluated: 2023-12-04. Review status: criteria provided, single submitter. Criteria: ACMG Guidelines, 2015. Collection method: clinical testing. Allele origin: germline.
Comment: This missense variant replaces methionine with isoleucine at codon 3215 of the RYR2 protein. Computational prediction suggests that this variant may not impact protein structure and function (internally defined REVEL score threshold <= 0.5, PMID: 27666373). To our knowledge, functional studies have not been reported for this variant. This variant has not been reported in individuals affected with RYR2-related disorders in the literature. This variant has not been identified in the general population by the Genome Aggregation Database (gnomAD). The available evidence is insufficient to determine the role of this variant in disease conclusively. Therefore, this variant is classified as a Variant of Uncertain Significance.

Labcorp Genetics (formerly Invitae), Labcorp
Classification: Uncertain significance for Catecholaminergic polymorphic ventricular tachycardia 1. Last evaluated: 2022-10-25. Review status: criteria provided, single submitter. Criteria: Invitae Variant Classification Sherloc (09022015). Collection method: clinical testing. Allele origin: germline.
Comment: In summary, the available evidence is currently insufficient to determine the role of this variant in disease. Therefore, it has been classified as a Variant of Uncertain Significance. Advanced modeling of protein sequence and biophysical properties (such as structural, functional, and spatial information, amino acid conservation, physicochemical variation, residue mobility, and thermodynamic stability) performed at Invitae indicates that this missense variant is not expected to disrupt RYR2 protein function. ClinVar contains an entry for this variant (Variation ID: 927128). This variant has not been reported in the literature in individuals affected with RYR2-related conditions. This variant is not present in population databases (gnomAD no frequency). This sequence change replaces methionine, which is neutral and non-polar, with isoleucine, which is neutral and non-polar, at codon 3215 of the RYR2 protein (p.Met3215Ile).